The following is an entry in ClinVar:

NM_003705.5(SLC25A12):c.1367T>C (p.Val456Ala)

Gene: SLC25A12 (solute carrier family 25 member 12; minus strand). Cytogenetic location: 2q31.1.
Variant type: single nucleotide variant.
Coding change: c.1367T>C on transcript NM_003705.5 (MANE Select); coding-DNA position 1367, T replaced by C.
Protein change: p.Val456Ala; replaces valine 456 with alanine.
Molecular consequence: missense variant. On other transcripts: non-coding transcript variant (1).
Genome position (GRCh38, 1-based): chr2:171,793,706, A>G on the plus strand (T>C on the coding strand, the complement: SLC25A12 is on the minus strand). VCF-style: chr2-171793706-A-G. GRCh37 (hg19) VCF-style: chr2-172650216-A-G.
Other names: short protein forms V456A.
Identifiers: ClinVar variation 1716227 (VCV001716227.5), dbSNP rs1683536278, ClinGen allele CA349289512.

ClinVar aggregate classification (germline): Uncertain significance (1 of 4 stars; one submission).

Submission:

Labcorp Genetics (formerly Invitae), Labcorp
Classification: Uncertain significance. Last evaluated: 2022-08-12. Review status: criteria provided, single submitter. Criteria: Invitae Variant Classification Sherloc (09022015). Collection method: clinical testing. Allele origin: germline.
Comment: In summary, the available evidence is currently insufficient to determine the role of this variant in disease. Therefore, it has been classified as a Variant of Uncertain Significance. Algorithms developed to predict the effect of missense changes on protein structure and function are either unavailable or do not agree on the potential impact of this missense change (SIFT: "Tolerated"; PolyPhen-2: "Probably Damaging"; Align-GVGD: "Class C0"). This variant has not been reported in the literature in individuals affected with SLC25A12-related conditions. This variant is not present in population databases (gnomAD no frequency). This sequence change replaces valine, which is neutral and non-polar, with alanine, which is neutral and non-polar, at codon 456 of the SLC25A12 protein (p.Val456Ala).